The following is an entry in ClinVar:

ClinVar aggregate classification (germline): Pathogenic (1 of 4 stars; one submission).

Conditions:
Breast-ovarian cancer, familial, susceptibility to, 1 (BROVCA1). Also called: BRCA1 Hereditary Breast and Ovarian Cancer; OVARIAN CANCER, SUSCEPTIBILITY TO. Identifiers: Orphanet 145, MedGen C2676676, MONDO:0011450, OMIM 604370. Disease mechanism: loss of function.

Submission:

Myriad Genetics, Inc.
Classification: Pathogenic for Breast-ovarian cancer, familial, susceptibility to, 1. Last evaluated: 2023-03-16. Review status: criteria provided, single submitter. Criteria: Myriad Autosomal Dominant, Autosomal Recessive and X-Linked Classification Criteria (2023). Collection method: clinical testing. Allele origin: unknown.
Comment: This variant is considered pathogenic. This variant creates a frameshift predicted to result in premature protein truncation.

NM_007294.4(BRCA1):c.5260_5261del (p.Glu1754fs)

Gene: BRCA1 (BRCA1 DNA repair associated; minus strand). Cytogenetic location: 17q21.31.
Variant type: Microsatellite.
Coding change: c.5260_5261del on transcript NM_007294.4 (MANE Select); coding-DNA positions 5260 to 5261, 2 bases deleted (GA; older notation c.5260_5261delGA).
Protein change: p.Glu1754fs; shifts the reading frame from glutamic acid 1754.
Molecular consequence: frameshift variant.
Genome position (GRCh38, 1-based): chr17:43,057,068-43,057,069, TC deleted on the plus strand (GA on the coding strand, the reverse complement: BRCA1 is on the minus strand); deleting any 2 consecutive bases within chr17:43,057,068-43,057,072 gives the same sequence; the c. name uses the placement nearest the transcript's 3' end. VCF-style (leftmost placement, unchanged base first): chr17-43057067-TTC-T. GRCh37 (hg19) VCF-style: chr17-41209084-TTC-T.
Other names: c.1687_1688del, p.Glu563fs (NM_001408501.1, NM_001408496.1, NM_001408497.1 and 3 more transcripts); c.1684_1685del, p.Glu562fs (NM_001408502.1, NM_001408503.1, NM_001408504.1); c.1681_1682del, p.Glu561fs (NM_001408505.1); c.1624_1625del, p.Glu542fs (NM_001408506.1); c.1621_1622del, p.Glu541fs (NM_001408507.1); c.1612_1613del, p.Glu538fs (NM_001408508.1); c.1609_1610del, p.Glu537fs (NM_001408509.1); c.1570_1571del, p.Glu524fs (NM_001408510.1); and 73 more; short protein forms E1457fs, E1458fs, E1585fs, E1600fs, E1625fs, E1626fs, E1627fs, E1641fs.
Identifiers: ClinVar variation 2573235 (VCV002573235.1), dbSNP rs2548386452, ClinGen allele CA2580612669.